The following is an entry in ClinVar:

NM_000059.4(BRCA2):c.7805+6C>G

Gene: BRCA2 (BRCA2 DNA repair associated; plus strand). Cytogenetic location: 13q13.1.
Variant type: single nucleotide variant.
Coding change: c.7805+6C>G on transcript NM_000059.4 (MANE Select); 6 bases into the intron after coding-DNA position 7805, C replaced by G.
Molecular consequence: intron variant.
Genome position (GRCh38, 1-based): chr13:32,357,935, C>G. VCF-style: chr13-32357935-C-G. GRCh37 (hg19) VCF-style: chr13-32932072-C-G.
Other names: IVS16+6C>G.
Identifiers: ClinVar variation 52412 (VCV000052412.76), dbSNP rs81002819, ClinGen allele CA025282.
Genomic context (GRCh38, chr13:32,357,935, plus strand): 5'-GTGGATGGCTCATACCCTCCAATGATGGAAAGGCTGGAAAAGAAGAATTTTATAGGTACT[C>G]TATGCAAAAAGATTGTGTGTTAACTTTTATGTATTCCCTCATCCCTCTTTCTTCTCTTAA-3'

ClinVar aggregate classification (germline): Benign/Likely benign. Review status: criteria provided, multiple submitters, no conflicts (2 of 4 stars). 18 submissions from 18 submitters: Benign (9); Likely benign (5). 4 of the submissions do not count toward it. Last evaluated 2026-03-30.

Conditions:
Breast and/or ovarian cancer. Identifiers: MedGen CN221562.
Hereditary cancer-predisposing syndrome. Also called: Tumor predisposition; Neoplastic Syndromes, Hereditary; Hereditary neoplastic syndrome; Hereditary Cancer Syndrome. Identifiers: Orphanet 140162, MedGen C0027672, MeSH D009386, MONDO:0015356.
Hereditary breast ovarian cancer syndrome. Also called: Hereditary breast and ovarian cancer; BRCA1- and BRCA2-Associated Hereditary Breast and Ovarian Cancer; Hereditary breast and/or ovarian cancer syndrome; Hereditary breast and ovarian cancer syndrome; Breast and ovarian cancer; Hereditary breast and ovarian cancer syndrome (HBOC). Identifiers: Orphanet 145, MedGen C0677776, MeSH D061325, MONDO:0003582. Disease mechanism: loss of function.
Breast-ovarian cancer, familial, susceptibility to, 2 (BROVCA2). Also called: BRCA2 Hereditary Breast and Ovarian Cancer. Identifiers: Orphanet 145, MedGen C2675520, MONDO:0012933, OMIM 612555. Disease mechanism: loss of function.

Allele frequency attached by ClinVar (database versions not stated): gnomAD exomes 0.00025 and 0.00063; ExAC 0.00072; 1000 Genomes Project 0.00160; 1000 Genomes Project 30x 0.00172; gnomAD 0.00263 and 0.00290; TOPMed 0.00293; ESP Exome Variant Server 0.00331.
gnomAD v4.1: 787 of 1,611,996 alleles (0.049%); highest among the groups gnomAD compares: African/African-American, 0.95%; 3 homozygotes.

Submissions (18):

Dasa
Classification: Likely benign for Breast-ovarian cancer, familial, susceptibility to, 2. Last evaluated: 2026-03-30. Review status: criteria provided, single submitter. Criteria: DASA Assertion Criteria. Collection method: clinical testing. Allele origin: germline.
Comment: NM_000059.4(BRCA2):c.7805+6C>G is a splice-region variant predicted to affect normal RNA splicing. Multiple computational predictions suggest no deleterious effect on the gene or gene product. The variant is present at low frequency in population datasets. Based on the available data, this variant is classified as likely benign.

Labcorp Genetics (formerly Invitae), Labcorp
Classification: Benign for Hereditary breast ovarian cancer syndrome. Last evaluated: 2026-02-03. Review status: criteria provided, single submitter. Criteria: Invitae Variant Classification Sherloc (09022015). Collection method: clinical testing. Allele origin: germline.

ARUP Laboratories, Molecular Genetics and Genomics, ARUP Laboratories
Classification: Benign. Last evaluated: 2025-04-01. Review status: criteria provided, single submitter. Criteria: ARUP Molecular Germline Variant Investigation Process 2024. Collection method: clinical testing. Allele origin: germline.

Blueprint Genetics
Classification: Likely benign. Last evaluated: 2024-09-12. Review status: criteria provided, single submitter. Criteria: ACMG Guidelines, 2015. Collection method: clinical testing. Allele origin: germline.

CHEO Genetics Diagnostic Laboratory, Children's Hospital of Eastern Ontario
Classification: Likely benign for Breast and/or ovarian cancer. Last evaluated: 2022-05-04. Review status: criteria provided, single submitter. Criteria: ACMG Guidelines, 2015. Collection method: clinical testing. Allele origin: germline.

National Health Laboratory Service, Universitas Academic Hospital and University of the Free State
Classification: Benign for Hereditary breast ovarian cancer syndrome. Last evaluated: 2022-04-19. Review status: criteria provided, single submitter. Criteria: ACMG Guidelines, 2015. Collection method: clinical testing. Allele origin: germline. Affected: yes. Observed: 20 variant alleles.

Genetics Program, Instituto Nacional de Cancer
Classification: Likely benign for Hereditary breast ovarian cancer syndrome. Last evaluated: 2021-11-01. Review status: criteria provided, single submitter. Criteria: ACMG Guidelines, 2015. Collection method: research. Allele origin: germline. Affected: yes.

Genetic Services Laboratory, University of Chicago
Classification: Likely benign. Last evaluated: 2020-10-27. Review status: criteria provided, single submitter. Criteria: ACMG Guidelines, 2015. Collection method: clinical testing. Allele origin: germline. Affected: no.

Sema4
Classification: Benign for Hereditary cancer-predisposing syndrome. Last evaluated: 2020-07-08. Review status: criteria provided, single submitter. Criteria: Sema4 Curation Guidelines. Collection method: curation. Allele origin: germline.

PreventionGenetics, part of Exact Sciences
Classification: Benign. Last evaluated: 2017-03-20. Review status: criteria provided, single submitter. Criteria: ACMG Guidelines, 2015. Collection method: clinical testing. Allele origin: germline.

Molecular Genetics Laboratory, University of Michigan
Classification: Benign for Breast-ovarian cancer, familial, susceptibility to, 2. Last evaluated: 2016-04-21. Review status: criteria provided, single submitter. Criteria: ACMG Guidelines, 2015. Collection method: clinical testing. Allele origin: germline. Affected: yes.

Color Diagnostics, LLC DBA Color Health
Classification: Benign for Hereditary cancer-predisposing syndrome. Last evaluated: 2015-03-08. Review status: criteria provided, single submitter. Criteria: ACMG Guidelines, 2015. Collection method: clinical testing. Allele origin: germline.

Eurofins Ntd Llc (ga)
Classification: Benign. Last evaluated: 2014-08-04. Review status: criteria provided, single submitter. Criteria: EGL Classification Definitions 2015. Collection method: clinical testing. Allele origin: germline. Observed: 1 variant allele, 1 heterozygote.

Women's Health and Genetics/Laboratory Corporation of America, LabCorp
Classification: Benign for Hereditary breast ovarian cancer syndrome. Last evaluated: 2014-03-28. Review status: criteria provided, single submitter. Criteria: LabCorp Variant Classification Summary - May 2015. Collection method: clinical testing. Allele origin: germline.

Counsyl
Classification: Likely benign for Breast-ovarian cancer, familial 2. Last evaluated: 2014-03-18. Review status: no assertion criteria provided. Collection method: literature only. Allele origin: unknown. Inheritance: Autosomal dominant inheritance. Not counted in ClinVar's aggregate classification.

Sharing Clinical Reports Project (SCRP)
Classification: Benign for Breast-ovarian cancer, familial 2. Last evaluated: 2012-05-01. Review status: no assertion criteria provided. Collection method: clinical testing. Allele origin: germline. Not counted in ClinVar's aggregate classification.

Breast Cancer Information Core (BIC) (BRCA2)
Classification: Uncertain significance for Breast-ovarian cancer, familial 2. Last evaluated: 2002-05-29. Review status: no assertion criteria provided. Collection method: clinical testing. Allele origin: germline. Affected: yes. Observed: 19 variant alleles. Not counted in ClinVar's aggregate classification.

Department of Pathology and Laboratory Medicine, Sinai Health System
Classification: Benign. Review status: no assertion criteria provided. Collection method: clinical testing. Allele origin: unknown. Affected: yes. Observed: 3 variant alleles. Study: The Canadian Open Genetics Repository (COGR). Not counted in ClinVar's aggregate classification.
Comment: The c.7805+6C>G variant was shown to produce a wildtype transcript in an m RNA based assay using lymphocyte cell lines of variant carriers, who met requirements for clinical testing or research into familial aspects of breast cancer; with aberrant in vitro transcripts accurately predicted by splice prediction programs (Whiley 2011). The variant was also identified in dbSNP (ID: rs81002819) â€šÃ„ÃºWith other alleleâ€šÃ„Ã¹, with a minor allele frequency of 0.001 (1000 Genomes Project), and the BIC database (19X with unknown clinical importance). The variant was identified by the Exome Variant Server project in 43 of 4406 African American alleles (frequency: 0.01). The variant was identified in UMD (12X as an unclassified variant) with co-occurring pathogenic variants: BRCA1 c.3607C>T (p.Arg1203X), BRCA2 c.7679_7680delTT (p.Phe2560SerfsX5), and BRCA2 c.2627delA (p.Asn876IlefsX19, increasing the likelihood that the c.7805+6C>G variant does not have clinical significance. The variant was also identified by the Sharing Clinical Reports Project (SCRP) (submitted within the ClinVar database and derived from Myriad reports) 2X (1X by multiple submitters (SCRP as benign, and BIC as uncertain) and 1X by Invitae, classification not provided). The c.7805+6C>G variant is located in the 5' splice region but does not affect the invariant +1 and +2 positions. However, positions +3 to +6 are part of the splicing consensus sequence and variants involving these positions sometimes affect splicing. In silico or computational prediction software programs (SpliceSiteFinder, MaxEntScan, NNSPLICE, GeneSplicer, HumanSpliceFinder) do not predict a difference in splicing. In summary, based on the above information, this variant meets our laboratoyâ€šÃ„Ã´s criteria to be classified as benign.

Literature cited by the submitters: DOI 10.3389/fgene.2022.834265 (cited by National Health Laboratory Service, Universitas Academic Hospital and University of the Free State); PubMed 36329109 (cited by Genetics Program, Instituto Nacional de Cancer); PubMed 20104584 (cited by Women's Health and Genetics/Laboratory Corporation of America, LabCorp); PubMed 18284688 (cited by Women's Health and Genetics/Laboratory Corporation of America, LabCorp); PubMed 18703817 (cited by Women's Health and Genetics/Laboratory Corporation of America, LabCorp and Counsyl); PubMed 22034289 (cited by Women's Health and Genetics/Laboratory Corporation of America, LabCorp); PubMed 21394826 (cited by Women's Health and Genetics/Laboratory Corporation of America, LabCorp and Counsyl); PubMed 22505045 (cited by Women's Health and Genetics/Laboratory Corporation of America, LabCorp); PubMed 10882858 (cited by Women's Health and Genetics/Laboratory Corporation of America, LabCorp); PubMed 22476429 (cited by Women's Health and Genetics/Laboratory Corporation of America, LabCorp and Counsyl).